The following is an entry in ClinVar:

NM_004448.4(ERBB2):c.607C>T (p.Arg203Cys)

Gene: ERBB2 (erb-b2 receptor tyrosine kinase 2; plus strand). Cytogenetic location: 17q12.
Variant type: single nucleotide variant.
Coding change: c.607C>T on transcript NM_004448.4 (MANE Select); coding-DNA position 607, C replaced by T.
Protein change: p.Arg203Cys; replaces arginine 203 with cysteine.
Molecular consequence: missense variant. On other transcripts: non-coding transcript variant (1), intron variant (2).
Genome position (GRCh38, 1-based): chr17:39,709,845, C>T. VCF-style: chr17-39709845-C-T. GRCh37 (hg19) VCF-style: chr17-37866098-C-T.
Other names: c.517C>T, p.Arg173Cys (NM_001005862.3, NM_001289938.2, NM_001382782.1 and 1 more transcripts); c.562C>T, p.Arg188Cys (NM_001289936.2); c.607C>T, p.Arg203Cys (NM_001289937.2, NM_001382784.1, NM_001382785.1 and 17 more transcripts); c.682C>T, p.Arg228Cys (NM_001382787.1); c.598C>T, p.Arg200Cys (NM_001382791.1); c.440-13C>T (NM_001382799.1); c.74-2083C>T (NM_001382804.1); short protein forms R228C, R188C, R200C, R173C, R203C.
Identifiers: ClinVar variation 1389680 (VCV001389680.6), dbSNP rs971655376, ClinGen allele CA290423911.
Genomic context (GRCh38, chr17:39,709,845, plus strand): 5'-CACTGCCTGTCTCTGGTTCTGTCCTCAGGCCACCCCTGTTCTCCGATGTGTAAGGGCTCC[C>T]GCTGCTGGGGAGAGAGTTCTGAGGATTGTCAGAGCCGTGAGTCTCAGGGAGGCCTGGAGT-3'
Protein context (NP_004439.2, residues 193-213): HPCSPMCKGS[Arg203Cys]CWGESSEDCQ

ClinVar aggregate classification (germline): Uncertain significance (1 of 4 stars; one submission).

Allele frequency attached by ClinVar (database versions not stated): gnomAD exomes 0.00001; gnomAD 0.00002 and 0.00003; TOPMed 0.00002.
gnomAD v4.1: 19 of 1,613,370 alleles (0.0012%); highest among the groups gnomAD compares: Admixed American, 0.0017%; no homozygotes.

Submission:

Labcorp Genetics (formerly Invitae), Labcorp
Classification: Uncertain significance. Last evaluated: 2022-02-02. Review status: criteria provided, single submitter. Criteria: Invitae Variant Classification Sherloc (09022015). Collection method: clinical testing. Allele origin: germline.
Comment: This variant has not been reported in the literature in individuals affected with ERBB2-related conditions. In summary, the available evidence is currently insufficient to determine the role of this variant in disease. Therefore, it has been classified as a Variant of Uncertain Significance. Algorithms developed to predict the effect of missense changes on protein structure and function are either unavailable or do not agree on the potential impact of this missense change (SIFT: "Tolerated"; PolyPhen-2: "Possibly Damaging"; Align-GVGD: "Class C0"). This variant is present in population databases (no rsID available, gnomAD 0.002%). This sequence change replaces arginine, which is basic and polar, with cysteine, which is neutral and slightly polar, at codon 203 of the ERBB2 protein (p.Arg203Cys).